The following is an entry in ClinVar:

NM_198525.3(KIF7):c.1221C>T (p.Ala407=)

Gene: KIF7 (kinesin family member 7; minus strand). Cytogenetic location: 15q26.1.
Variant type: single nucleotide variant.
Coding change: c.1221C>T on transcript NM_198525.3 (MANE Select); coding-DNA position 1221, C replaced by T.
Protein change: p.Ala407=; no amino-acid change (alanine 407 retained).
Molecular consequence: synonymous variant.
Genome position (GRCh38, 1-based): chr15:89,648,477, G>A on the plus strand (C>T on the coding strand, the complement: KIF7 is on the minus strand). VCF-style: chr15-89648477-G-A. GRCh37 (hg19) VCF-style: chr15-90191708-G-A.
Identifiers: ClinVar variation 317369 (VCV000317369.21), dbSNP rs886051535, ClinGen allele CA10636659.

ClinVar aggregate classification (germline): Conflicting classifications of pathogenicity. Review status: criteria provided, conflicting classifications (1 of 4 stars). 4 submissions from 4 submitters: Uncertain significance (1); Benign (1); Likely benign (2). Last evaluated 2025-11-24.

Conditions:
Acrocallosal syndrome (ACLS). Also called: HALLUX DUPLICATION, POSTAXIAL POLYDACTYLY, AND ABSENCE OF CORPUS CALLOSUM; Schinzel syndrome 1; Absence of corpus callosum with unusual facial appearance, mental deficiency, duplication of the halluces and polydactyly. Identifiers: Orphanet 36, MedGen C0796147, MONDO:0008708, OMIM 200990.

Allele frequency attached by ClinVar (database versions not stated): TOPMed 0.00003.

Submissions (4):

Labcorp Genetics (formerly Invitae), Labcorp
Classification: Benign for Acrocallosal syndrome. Last evaluated: 2025-11-24. Review status: criteria provided, single submitter. Criteria: Invitae Variant Classification Sherloc (09022015). Collection method: clinical testing. Allele origin: germline.

CeGaT Center for Human Genetics Tuebingen
Classification: Likely benign. Last evaluated: 2025-07-01. Review status: criteria provided, single submitter. Criteria: CeGaT Center For Human Genetics Tuebingen Variant Classification Criteria Version 2. Collection method: clinical testing. Allele origin: germline. Affected: yes. Observed: 1 variant allele.
Comment: KIF7: BP4, BP7

Blueprint Genetics
Classification: Likely benign. Last evaluated: 2024-11-08. Review status: criteria provided, single submitter. Criteria: ACMG Guidelines, 2015. Collection method: clinical testing. Allele origin: germline.

Illumina Laboratory Services, Illumina
Classification: Uncertain significance for Acrocallosal syndrome. Last evaluated: 2018-01-12. Review status: criteria provided, single submitter. Criteria: ICSL Variant Classification Criteria 13 December 2019. Collection method: clinical testing. Allele origin: germline.